The following is an entry in ClinVar:

ClinVar aggregate classification (germline): Conflicting classifications of pathogenicity. Review status: criteria provided, conflicting classifications (1 of 4 stars). 15 submissions from 15 submitters: Uncertain significance (13); Likely benign (1). 1 of the submissions does not count toward it. Last evaluated 2026-01-27.

Conditions:
CDKN2A-related disorder. Also called: CDKN2A-related condition.
Melanoma and neural system tumor syndrome. Also called: MELANOMA-ASTROCYTOMA SYNDROME. Identifiers: Orphanet 252206, MedGen C1835042, MONDO:0007967, OMIM 155755.
Melanoma, cutaneous malignant, susceptibility to, 2 (CMM2). Also called: CDKN2A-Related Cutaneous Malignant Melanoma; Cutaneous malignant melanoma 2. Identifiers: Orphanet 618, MedGen C1835044, MONDO:0007964, OMIM 155601.
Melanoma-pancreatic cancer syndrome. Identifiers: Orphanet 404560, MedGen C1838547, MONDO:0011713, OMIM 606719. Disease mechanism: loss of function.
Familial melanoma. Also called: Hereditary melanoma; Hereditary cutaneous melanoma. Identifiers: Orphanet 618, MedGen C1512419, MONDO:0018961.
Hereditary cancer-predisposing syndrome. Also called: Neoplastic Syndromes, Hereditary; Tumor predisposition; Hereditary Cancer Syndrome; Hereditary neoplastic syndrome. Identifiers: Orphanet 140162, MedGen C0027672, MeSH D009386, MONDO:0015356.

Submissions 1 to 7 of 15:

Labcorp Genetics (formerly Invitae), Labcorp
Classification: Uncertain significance for Familial melanoma. Last evaluated: 2026-01-27. Review status: criteria provided, single submitter. Criteria: Invitae Variant Classification Sherloc (09022015). Collection method: clinical testing. Allele origin: germline.
Comment: This variant, c.9_32del, results in the deletion of 8 amino acid(s) of the CDKN2A (p16INK4a) protein (p.Ala4_Pro11del), but otherwise preserves the integrity of the reading frame. This variant is present in population databases (rs751570838, gnomAD 0.05%), and has an allele count higher than expected for a pathogenic variant. This variant has been observed in individual(s) with breast cancer and melanoma (PMID: 12072543, 16905682, 17047042, 19759551, 20876876, 25780468, 25803691, 26976419). Experimental studies and prediction algorithms are not available or were not evaluated, and the functional significance of this variant is currently unknown. In summary, the available evidence is currently insufficient to determine the role of this variant in disease. Therefore, it has been classified as a Variant of Uncertain Significance.

PreventionGenetics, part of Exact Sciences
Classification: Uncertain significance for CDKN2A-related condition. Last evaluated: 2026-01-12. Review status: criteria provided, single submitter. Criteria: ACMG Guidelines, 2015. Collection method: clinical testing. Allele origin: germline.
Comment: The CDKN2A c.9_32del24 variant is predicted to result in an in-frame deletion (p.Ala4_Pro11del). This variant has been reported in patients with melanoma (Bishop et al. 2002. PubMed ID: 12072543; Table S3, Taylor et al. 2017. PubMed ID: 28830827; Goldstein et al. 2007. PubMed ID: 16905682; Table S1, Demenais et al. 2010. PubMed ID: 20876876; Jovanovic et al. 2010. PubMed ID: 19759551; Harland et al. 2014. PubMed ID: 25780468), and as a variant of uncertain significance in a patient with breast cancer (Table A2, Tung et al. 2016. PubMed ID: 26976419). This variant is reported in 0.051% of alleles in individuals of Latino descent in gnomAD, and has been reported in ClinVar as uncertain by the vast majority of laboratories (Variation ID: 216277). At this time, the clinical significance of this variant is uncertain due to the absence of conclusive functional and genetic evidence.

Dasa
Classification: Uncertain significance. Last evaluated: 2025-12-16. Review status: criteria provided, single submitter. Criteria: DASA Assertion Criteria. Collection method: clinical testing. Allele origin: germline.
Comment: NM_000077.5(CDKN2A):c.9_32del (p.Ala4_Pro11del) is a sequence variant. The variant is present at low frequency in population datasets. Based on the available data, this variant is classified as variant of uncertain significance.

Department of Clinical Genetics, Copenhagen University Hospital, Rigshospitalet
Classification: Uncertain significance for Familial melanoma. Last evaluated: 2025-11-11. Review status: criteria provided, single submitter. Criteria: ACMG Guidelines, 2015. Collection method: clinical testing. Allele origin: germline.
Comment: The variant has been reported 153 times in gnomAD (v.4.1), with the highest frequency (0.09017%) observed in the Latino/Admixed American population. The variant has also been observed once in homozygous form in this population. The frequency of the variant is higher in WGS data than in WES data, indicating that the frequency data may be associated with some degree of uncertainty. The deleted amino acids are not well conserved in species other than gorillas. The variant has been reported 9 times in ClinVar as a VUS and 2 times as likely benign.Based on current knowledge, the variant is classified as a variant of uncertain clinical significance (VUS)

Women's Health and Genetics/Laboratory Corporation of America, LabCorp
Classification: Uncertain significance. Last evaluated: 2025-10-08. Review status: criteria provided, single submitter. Criteria: LabCorp Variant Classification Summary - May 2015. Collection method: clinical testing. Allele origin: germline.
Comment: Variant summary: CDKN2A c.9_32del24 (p.Ala4_Pro11del) results in an in-frame deletion that is predicted to remove 8 amino acids from the encoded protein. The variant allele was found at a frequency of 0.00015 in 233942 control chromosomes, predominantly at a frequency of 0.00053 within the Latino subpopulation in the gnomAD database. The observed variant frequency within Latino control individuals in the gnomAD database exceeds the estimated maximal expected allele frequency for disease-causing variants in CDKN2A. However, c.9_32del24 has been observed in the heterozygous state in multiple individual(s) affected with clinical features of Cutaneous Malignant Melanoma or other CDKN2A-related cancers (example, Aitken_1999, Bishop_2002, Goldstein_2006, Goldstein_2007, Harland_2014, Wadt_2015, Cust_2011) without strong evidence for causality. These report(s) do not provide unequivocal conclusions about association of the variant with Cutaneous Malignant Melanoma. At least one publication reports experimental evidence evaluating an impact on protein function. These results showed no damaging effect of this variant in vitro (Parry_1996). The following publications have been ascertained in the context of this evaluation (PMID: 25780468, 25803691, 21325014, 19759551, 17047042, 16905682, 12072543, 15146471, 26976419, 10070944, 11159196, 27756164, 27960642, 28765326, 9166859, 16818274, 18519632, 7718873, 35264596, 36243179, 32187361, 28830827, 34130653, 33893289, 34480095, 9462707, 29703253, 20876876, 14745721, 33741979, 27028851, 31855952, 32034076, 11500805, 29608884, 26336083, 7559077, 34074656, 35957908, 31854063, 26827760, 28481359, 32321774, 35100714, 33606809, 27196769, 38326996, 8668202). ClinVar contains an entry for this variant (Variation ID: 216277). Based on the evidence outlined above, the variant was classified as VUS-possibly benign.

GeneDx
Classification: Uncertain significance. Last evaluated: 2025-08-29. Review status: criteria provided, single submitter. Criteria: GeneDx Variant Classification Process June 2021. Collection method: clinical testing. Allele origin: germline. Affected: yes.
Comment: In-frame deletion of 8 amino acid(s) in a non-repeat region; Observed in families with multiple cases of melanoma, demonstrating incomplete segregation with disease in at least one family, and in individuals with breast cancer (PMID: 10070944, 12072543, 17047042, 16905682, 20876876, 25780468, 25803691, 26976419, 35264596); In silico analysis supports a deleterious effect on protein structure/function; This variant is associated with the following publications: (PMID: 17047042, 25780468, 10070944, 12072543, 16905682, 19759551, 25803691, 26976419, 20876876, 27196769, 21325014, 28830827, 35264596, 28765326, 27756164, 27960642, 18519632, 16818274, 11159196, 9166859, 7718873, 15146471, 37059229, 37833309, 36243179, Darabi2024[CaseReport])

Quest Diagnostics Nichols Institute San Juan Capistrano
Classification: Uncertain significance. Last evaluated: 2025-05-07. Review status: criteria provided, single submitter. Criteria: Quest Diagnostics criteria. Collection method: clinical testing. Allele origin: unknown.
Comment: The CDKN2A c.9_32del (p.Ala4_Pro11del) variant (also known as c.9_32del24, p16/delta1-8) is an in-frame deletion of 8 amino acids in the p16 (NM_000077.4) isoform, and an intronic variant, c.194-3611_194-3588del, in the p14ARF (NM_058195.3) isoform. In the published literature, this variant has been reported in multiple individuals/families with melanoma (PMIDs: 28830827 (2017), 25803691 (2015), 25780468 (2014), 20876876 (2010), 19759551 (2010), 16905682 (2007), 17047042 (2006), 12072543 (2002), 10070944 (1999)) and breast cancer (PMIDs: 35264596 (2022), 26976419 (2016)). Assessment of experimental studies yielded inconclusive results regarding the impact of this variant on protein function (PMIDs: 20152798 (2010), 12529334 (2003), 8755727 (1996), 8668202 (1996)). The frequency of this variant in the general population (Genome Aggregation Database) is higher than would generally be expected for pathogenic variants in this gene. Based on the available information, we are unable to determine the clinical significance of this variant.

NM_000077.5(CDKN2A):c.-16GGCGGCGGGGAGCAGCATGGAGCC[1] (p.Ala4_Pro11del)

Genes: CDKN2A (cyclin dependent kinase inhibitor 2A; minus strand), LOC130001603 (ATAC-STARR-seq lymphoblastoid silent region 19811; plus strand). Cytogenetic location: 9p21.3.
Variant type: Microsatellite.
Coding change: c.-16GGCGGCGGGGAGCAGCATGGAGCC[1] on transcript NM_000077.5 (MANE Select); one copy of the 24-base unit GGCGGCGGGGAGCAGCATGGAGCC starting at c.-16; the reference has two copies in a row; one copy, 24 bases deleted.
Protein change: p.Ala4_Pro11del.
Molecular consequence: inframe deletion, initiator codon variant. On other transcripts: intron variant (2).
Genome position (GRCh38, 1-based): chr9:21,974,796-21,974,819, GGCTCCATGCTGCTCCCCGCCGCC deleted on the plus strand (GGCGGCGGGGAGCAGCATGGAGCC on the coding strand, the reverse complement: CDKN2A is on the minus strand); deleting any 24 consecutive bases within chr9:21,974,796-21,974,843 gives the same sequence; the position shown is the placement nearest the transcript's 3' end. VCF-style (leftmost placement, unchanged base first): chr9-21974795-AGGCTCCATGCTGCTCCCCGCCGCC-A. GRCh37 (hg19) VCF-style: chr9-21974794-AGGCTCCATGCTGCTCCCCGCCGCC-A.
Other names: c.9_32del24 (NM_000077.5, NM_000077.4); c.9_32delGGCGGCGGGGAGCAGCATGGAGCC (NM_000077.4); c.9_32del (NM_000077.5); c.-16_8GGCGGCGGGGAGCAGCATGGAGCC[1], p.Met(?_1)_Pro11(?) (NM_000077.6); c.-16GGCGGCGGGGAGCAGCATGGAGCC[1], p.Ala4_Pro11del (NM_001195132.2, NM_058197.5); c.-3-3611_-3-3588del (NM_001363763.2); c.194-3611_194-3588del (NM_058195.4).
Identifiers: ClinVar variation 216277 (VCV000216277.50), dbSNP rs587780668, ClinGen allele CA336947.